The following is an entry in ClinVar:

ClinVar aggregate classification (germline): Uncertain significance (1 of 4 stars; one submission).

Conditions:
Myopathy, centronuclear, 2 (CNM2). Also called: MYOTUBULAR MYOPATHY, AUTOSOMAL RECESSIVE. Identifiers: Orphanet 169186, MedGen CN031787, MONDO:0009709, OMIM 255200.

Allele frequency attached by ClinVar (database versions not stated): gnomAD exomes 0.00001; TOPMed below 0.00001.
gnomAD v4.1: 3 of 1,613,424 alleles (0.00019%); highest among the groups gnomAD compares: Admixed American, 0.005%; no homozygotes.

Submission:

Labcorp Genetics (formerly Invitae), Labcorp
Classification: Uncertain significance for Myopathy, centronuclear, 2. Last evaluated: 2025-11-19. Review status: criteria provided, single submitter. Criteria: Invitae Variant Classification Sherloc (09022015). Collection method: clinical testing. Allele origin: germline.
Comment: This sequence change falls in intron 16 of the BIN1 gene. It does not directly change the encoded amino acid sequence of the BIN1 protein. It affects a nucleotide within the consensus splice site. This variant is present in population databases (no rsID available, gnomAD 0.006%). This variant has not been reported in the literature in individuals affected with BIN1-related conditions. ClinVar contains an entry for this variant (Variation ID: 1354682). Variants that disrupt the consensus splice site are a relatively common cause of aberrant splicing (PMID: 17576681, 9536098). Algorithms developed to predict the effect of sequence changes on RNA splicing suggest that this variant is not likely to affect RNA splicing. In summary, the available evidence is currently insufficient to determine the role of this variant in disease. Therefore, it has been classified as a Variant of Uncertain Significance.

Literature cited by the submitters: PubMed 17576681; PubMed 9536098.

NM_139343.3(BIN1):c.1461+6A>T

Gene: BIN1 (bridging integrator 1; minus strand). Cytogenetic location: 2q14.3.
Variant type: single nucleotide variant.
Coding change: c.1461+6A>T on transcript NM_139343.3 (MANE Select); 6 bases into the intron after coding-DNA position 1461, A replaced by T.
Molecular consequence: intron variant.
Genome position (GRCh38, 1-based): chr2:127,051,148, T>A on the plus strand (A>T on the coding strand, the complement: BIN1 is on the minus strand). VCF-style: chr2-127051148-T-A. GRCh37 (hg19) VCF-style: chr2-127808724-T-A.
Other names: c.1380+6A>T (NM_001320642.1); c.838-236A>T (NM_001320634.1); c.910-236A>T (NM_139351.3); c.999+6A>T (NM_139350.3); c.1107+6A>T (NM_139349.3); c.1128+6A>T (NM_139348.3); c.1236+6A>T (NM_139347.3); c.1368+6A>T (NM_001320641.2); and 7 more.
Identifiers: ClinVar variation 1354682 (VCV001354682.6), dbSNP rs972060066, ClinGen allele CA55337742.